The following is an entry in ClinVar:

NM_000202.8(IDS):c.1183A>G (p.Arg395Gly)

Gene: IDS (iduronate 2-sulfatase; minus strand). Cytogenetic location: Xq28.
Variant type: single nucleotide variant.
Coding change: c.1183A>G on transcript NM_000202.8 (MANE Select); coding-DNA position 1183, A replaced by G.
Protein change: p.Arg395Gly; replaces arginine 395 with glycine.
Molecular consequence: missense variant.
Genome position (GRCh38, 1-based): chrX:149,483,216, T>C on the plus strand (A>G on the coding strand, the complement: IDS is on the minus strand). VCF-style: chrX-149483216-T-C. GRCh37 (hg19) VCF-style: chrX-148564747-T-C.
Other names: c.913A>G, p.Arg305Gly (NM_001166550.4); short protein forms R395G, R305G.
Identifiers: ClinVar variation 3705888 (VCV003705888.2).
Genomic context (GRCh38, chrX:149,483,216, plus strand): 5'-CTGCAAGTCCAGCCAGCGTGGGAAAAAGAGACACAAGTTCCACAAGGTCCATGGATTGCC[T>C]GCCTGAAACAGGAAGCGACAGAGCAGAATGGGTTACATTATAAAAGCCTGCCATGGCCAG-3'
Protein context (NP_000193.1, residues 385-405): DSASQLMEPG[Arg395Gly]QSMDLVELVS

ClinVar aggregate classification (germline): Uncertain significance (1 of 4 stars; one submission).

Conditions:
Mucopolysaccharidosis, MPS-II (MPS2). Also called: Attenuated MPS (subtype; formerly known as mild MPS II); Severe MPS II; I2S deficiency; MPS 2; Hunter Syndrome; IDURONATE 2-SULFATASE DEFICIENCY. Identifiers: Orphanet 580, Orphanet 79388, MedGen C0026705, MONDO:0010674, OMIM 309900.

Submission:

Labcorp Genetics (formerly Invitae), Labcorp
Classification: Uncertain significance for Mucopolysaccharidosis, MPS-II. Last evaluated: 2024-09-15. Review status: criteria provided, single submitter. Criteria: Invitae Variant Classification Sherloc (09022015). Collection method: clinical testing. Allele origin: germline.
Comment: This sequence change replaces arginine, which is basic and polar, with glycine, which is neutral and non-polar, at codon 395 of the IDS protein (p.Arg395Gly). This variant is not present in population databases (gnomAD no frequency). This variant has not been reported in the literature in individuals affected with IDS-related conditions. An algorithm developed to predict the effect of missense changes on protein structure and function outputs the following: PolyPhen-2: "Benign". The glycine amino acid residue is found in multiple mammalian species, which suggests that this missense change does not adversely affect protein function. In summary, the available evidence is currently insufficient to determine the role of this variant in disease. Therefore, it has been classified as a Variant of Uncertain Significance.